The following is an entry in ClinVar:

ClinVar aggregate classification (germline): Pathogenic (1 of 4 stars; one submission).

Submission:

Labcorp Genetics (formerly Invitae), Labcorp
Classification: Pathogenic. Last evaluated: 2025-12-13. Review status: criteria provided, single submitter. Criteria: Invitae Variant Classification Sherloc (09022015). Collection method: clinical testing. Allele origin: germline.
Comment: This sequence change creates a premature translational stop signal (p.Asn804Thrfs*13) in the CPAMD8 gene. It is expected to result in an absent or disrupted protein product. Loss-of-function variants in CPAMD8 are known to be pathogenic (PMID: 27839872, 29556725). This variant is not present in population databases (gnomAD no frequency). This variant has not been reported in the literature in individuals affected with CPAMD8-related conditions. For these reasons, this variant has been classified as Pathogenic.

Literature cited by the submitters: PubMed 27839872; PubMed 29556725.

NM_015692.5(CPAMD8):c.2270del (p.Asn757fs)

Gene: CPAMD8 (C3 and PZP like alpha-2-macroglobulin domain containing 8; minus strand). Cytogenetic location: 19p13.11.
Variant type: Deletion.
Coding change: c.2270del on transcript NM_015692.5 (MANE Select); coding-DNA position 2270, one base deleted (A; older notation c.2270delA).
Protein change: p.Asn757fs; shifts the reading frame from asparagine 757.
Molecular consequence: frameshift variant. On other transcripts: non-coding transcript variant (1).
Genome position (GRCh38, 1-based): chr19:16,957,859, T deleted on the plus strand (A on the coding strand, the reverse complement: CPAMD8 is on the minus strand); the first of 2 consecutive T bases (chr19:16,957,859-16,957,860); deleting either gives the same sequence. VCF-style (leftmost placement, unchanged base first): chr19-16957858-GT-G. GRCh37 (hg19) VCF-style: chr19-17068668-GT-G.
Other names: short protein forms N757fs.
Identifiers: ClinVar variation 4702495 (VCV004702495.1).
Genomic context (GRCh38, chr19:16,957,858, plus strand): 5'-TGAGTGTCTTTCACTCAACCGGCAAAGTCAGCGCAGAAAAGAAATCTTAATGTACCTGAT[GT>G]TGAGACAATGCCAAATCCATGTTTCGGGGAAGAAAGTCCTTTTTCTCTTCTCTGTTCTAT-3'